The following is an entry in ClinVar:

ClinVar aggregate classification (germline): Pathogenic/Likely pathogenic. Review status: criteria provided, multiple submitters, no conflicts (2 of 4 stars). 3 submissions from 3 submitters: Pathogenic (2); Likely pathogenic (1). Last evaluated 2026-02-09.

Conditions:
Amelogenesis imperfecta type 1A. Also called: Amelogenesis imperfecta local hypoplastic; Amelogenesis imperfecta, hypoplastic type; Amelogenesis imperfecta, type IA; AMELOGENESIS IMPERFECTA, HYPOPLASTIC TYPE IA. Identifiers: Orphanet 88661, MedGen C4011403, MONDO:0007094, OMIM 104530.
Junctional epidermolysis bullosa gravis of Herlitz. Also called: EPIDERMOLYSIS BULLOSA, JUNCTIONAL 1B, SEVERE; EPIDERMOLYSIS BULLOSA JUNCTIONALIS, HERLITZ TYPE; EPIDERMOLYSIS BULLOSA, JUNCTIONAL, HERLITZ-PEARSON TYPE; Epidermolysis Bullosa Letalis; JEB-HERLITZ TYPE; Herlitz-type junctional epidermolysis bullosa. Identifiers: Orphanet 79404, MedGen C0079683, MONDO:0009182, OMIM 226700.
Junctional epidermolysis bullosa, non-Herlitz type. Also called: EPIDERMOLYSIS BULLOSA, JUNCTIONAL 1A, INTERMEDIATE; EPIDERMOLYSIS BULLOSA JUNCTIONALIS, DISENTIS TYPE; EPIDERMOLYSIS BULLOSA JUNCTIONALIS, NON-HERLITZ TYPE; EPIDERMOLYSIS BULLOSA JUNCTIONALIS, PROGRESSIVE; EPIDERMOLYSIS BULLOSA JUNCTIONALIS, SEVERE NONLETHAL; COL17A1-Related Junctional Epidermolysis Bullosa. Identifiers: Orphanet 251393, Orphanet 79402, Orphanet 79405, Orphanet 89840, MedGen C0268374, MONDO:0009180, OMIM 226650.
LAMB3-related disorder. Also called: LAMB3-related condition.

Submissions (3):

PreventionGenetics, part of Exact Sciences
Classification: Pathogenic for LAMB3-related condition. Last evaluated: 2026-02-09. Review status: criteria provided, single submitter. Criteria: ACMG Guidelines, 2015. Collection method: clinical testing. Allele origin: germline.
Comment: The LAMB3 c.2137+1G>T variant is predicted to disrupt the GT donor site and interfere with normal splicing. This variant has been reported in the homozygous state or along with a second pathogenic LAMB3 variant in individuals with junctional epidermolysis bullosa (Table S2, Chen et al. 2022. PubMed ID: 36287101; Supplementary Table 1, Tu et al. 2022. PubMed ID: 36578049). RNA studies showed that this variant leads to skipping of LAMB3 exon 15, which is expected to lead to a frameshift and premature termination (Supplementary Table 2, Tu et al. 2022. PubMed ID: 36578049). This variant has not been reported in a large population database (gnomAD), indicating this variant is rare. Variants that disrupt the consensus splice donor site in LAMB3 are expected to be pathogenic. This variant is interpreted as pathogenic.

Labcorp Genetics (formerly Invitae), Labcorp
Classification: Likely pathogenic. Last evaluated: 2023-12-13. Review status: criteria provided, single submitter. Criteria: Invitae Variant Classification Sherloc (09022015). Collection method: clinical testing. Allele origin: germline.
Comment: This sequence change affects a donor splice site in intron 15 of the LAMB3 gene. It is expected to disrupt RNA splicing. Variants that disrupt the donor or acceptor splice site typically lead to a loss of protein function (PMID: 16199547), and loss-of-function variants in LAMB3 are known to be pathogenic (PMID: 11023379, 16473856). This variant is not present in population databases (gnomAD no frequency). Disruption of this splice site has been observed in individual(s) with junctional epidermolysis bullosa (PMID: 36287101, 36578049). ClinVar contains an entry for this variant (Variation ID: 1467304). Algorithms developed to predict the effect of sequence changes on RNA splicing suggest that this variant may disrupt the consensus splice site. In summary, the currently available evidence indicates that the variant is pathogenic, but additional data are needed to prove that conclusively. Therefore, this variant has been classified as Likely Pathogenic.

Juno Genomics, Hangzhou Juno Genomics, Inc
Classification: Pathogenic for Amelogenesis imperfecta type 1A; Junctional epidermolysis bullosa, non-Herlitz type; Junctional epidermolysis bullosa gravis of Herlitz. Review status: criteria provided, single submitter. Criteria: ACMG Guidelines, 2015. Collection method: clinical testing. Allele origin: germline.
Comment: Absent from controls (or at extremely low frequency if recessive) in Genome Aggregation Database.;Null variant in a gene where loss of function (LOF) is a known mechanism of disease.;For recessive disorders, detected in trans with a pathogenic variant.;Patient's phenotype or family history is highly specific for a disease with a single genetic etiology.

Literature cited by the submitters: PubMed 16199547 (cited by Labcorp Genetics (formerly Invitae), Labcorp); PubMed 11023379 (cited by Labcorp Genetics (formerly Invitae), Labcorp); PubMed 16473856 (cited by Labcorp Genetics (formerly Invitae), Labcorp); PubMed 36287101 (cited by Labcorp Genetics (formerly Invitae), Labcorp); PubMed 36578049 (cited by Labcorp Genetics (formerly Invitae), Labcorp).

NM_000228.3(LAMB3):c.2137+1G>T

Gene: LAMB3 (laminin subunit beta 3; minus strand). Cytogenetic location: 1q32.2.
Variant type: single nucleotide variant.
Coding change: c.2137+1G>T on transcript NM_000228.3 (MANE Select); the canonical splice donor site of the intron after coding-DNA position 2137, G replaced by T.
Molecular consequence: splice donor variant.
Genome position (GRCh38, 1-based): chr1:209,623,839, C>A on the plus strand (G>T on the coding strand, the complement: LAMB3 is on the minus strand). VCF-style: chr1-209623839-C-A. GRCh37 (hg19) VCF-style: chr1-209797184-C-A.
Other names: c.2137+1G>T (NM_000228.2, NM_001127641.1, NM_001017402.2).
Identifiers: ClinVar variation 1467304 (VCV001467304.8), dbSNP rs2102416154, ClinGen allele CA344588649.
Genomic context (GRCh38, chr1:209,623,839, plus strand): 5'-GGTGGCATGCCCACCACGGCAGTGCCCATGCCCGGGGTTATCCGGGTGCCCCTCTCCTCA[C>A]CTGAAGGATCAGCACTGCTTATTTTTTCAAACTGCTCCCTCTTCCTCTGATACATAGTAA-3'